The following is an entry in ClinVar:

ClinVar aggregate classification (germline): Uncertain significance (1 of 4 stars; one submission).

Submission:

Labcorp Genetics (formerly Invitae), Labcorp
Classification: Uncertain significance. Last evaluated: 2024-02-24. Review status: criteria provided, single submitter. Criteria: Invitae Variant Classification Sherloc (09022015). Collection method: clinical testing. Allele origin: germline.
Comment: This sequence change replaces methionine, which is neutral and non-polar, with lysine, which is basic and polar, at codon 2935 of the CPLANE1 protein (p.Met2935Lys). This variant is not present in population databases (gnomAD no frequency). This variant has not been reported in the literature in individuals affected with CPLANE1-related conditions. ClinVar contains an entry for this variant (Variation ID: 1392884). Advanced modeling of protein sequence and biophysical properties (such as structural, functional, and spatial information, amino acid conservation, physicochemical variation, residue mobility, and thermodynamic stability) performed at Invitae indicates that this missense variant is not expected to disrupt CPLANE1 protein function with a negative predictive value of 95%. In summary, the available evidence is currently insufficient to determine the role of this variant in disease. Therefore, it has been classified as a Variant of Uncertain Significance.

NM_001384732.1(CPLANE1):c.8966T>A (p.Met2989Lys)

Gene: CPLANE1 (ciliogenesis and planar polarity effector complex subunit 1; minus strand). Cytogenetic location: 5p13.2.
Variant type: single nucleotide variant.
Coding change: c.8966T>A on transcript NM_001384732.1 (MANE Select); coding-DNA position 8966, T replaced by A.
Protein change: p.Met2989Lys; replaces methionine 2989 with lysine.
Molecular consequence: missense variant.
Genome position (GRCh38, 1-based): chr5:37,122,481, A>T on the plus strand (T>A on the coding strand, the complement: CPLANE1 is on the minus strand). VCF-style: chr5-37122481-A-T. GRCh37 (hg19) VCF-style: chr5-37122583-A-T.
Other names: c.8804T>A, p.Met2935Lys (NM_023073.4); short protein forms M2989K, M2935K.
Identifiers: ClinVar variation 1392884 (VCV001392884.6), dbSNP rs2150099516, ClinGen allele CA359497066.